The following is an entry in ClinVar:

NM_025243.4(SLC19A3):c.-2-4020G>A

Gene: SLC19A3 (solute carrier family 19 member 3; minus strand). Cytogenetic location: 2q36.3.
Variant type: single nucleotide variant.
Coding change: c.-2-4020G>A on transcript NM_025243.4 (MANE Select); 4020 bases into the intron before 2 bases upstream of the start codon, G replaced by A.
Molecular consequence: intron variant. On other transcripts: 5 prime UTR variant (2).
Genome position (GRCh38, 1-based): chr2:227,706,340, C>T on the plus strand (G>A on the coding strand, the complement: SLC19A3 is on the minus strand). VCF-style: chr2-227706340-C-T. GRCh37 (hg19) VCF-style: chr2-228571056-C-T.
Other names: c.-28G>A (NM_001371412.1); c.-236G>A (NM_001371414.1); c.-210-4020G>A (NM_001371413.1); c.-2-4020G>A (NM_001371411.1).
Identifiers: ClinVar variation 3256820 (VCV003256820.2).

ClinVar aggregate classification (germline): Benign (1 of 4 stars; one submission).

gnomAD v4.1: 162,774 of 1,230,824 alleles (13%); highest among the groups gnomAD compares: African/African-American, 29%; 12,073 homozygotes.

Submission:

Unidad de Genómica Garrahan, Hospital de Pediatría Garrahan
Classification: Benign. Last evaluated: 2024-07-31. Review status: criteria provided, single submitter. Criteria: ACMG Guidelines, 2015. Collection method: clinical testing. Allele origin: germline. Affected: no. Observed: 26 variant alleles.
Comment: This variant is classified as Benign based on local population frequency. This variant was detected in 28% of patients studied in a panel designed for Epileptic and Developmental Encephalopathy, Progressive Myoclonus Epilepsy and Abnormal Movements and Neurodegeneration with brain iron accumulation. Number of patients: 26. Only high quality variants are reported.